The following is an entry in ClinVar:

NM_001375524.1(TRRAP):c.2875T>C (p.Tyr959His)

Gene: TRRAP (transformation/transcription domain associated protein; plus strand). Cytogenetic location: 7q22.1.
Variant type: single nucleotide variant.
Coding change: c.2875T>C on transcript NM_001375524.1 (MANE Select); coding-DNA position 2875, T replaced by C.
Protein change: p.Tyr959His; replaces tyrosine 959 with histidine.
Molecular consequence: missense variant.
Genome position (GRCh38, 1-based): chr7:98,925,163, T>C. VCF-style: chr7-98925163-T-C. GRCh37 (hg19) VCF-style: chr7-98522786-T-C.
Other names: c.2875T>C, p.Tyr959His (NM_001244580.2, NM_003496.4); short protein forms Y959H.
Identifiers: ClinVar variation 5007253 (VCV005007253.2).
Genomic context (GRCh38, chr7:98,925,163, plus strand): 5'-TGGTTGTAGGCCATTGAAACTGCTCTGGACTGCCTGAAAAGCGCCAACACTGAGCCCTAC[T>C]ACCGGAGGCAGGCGTGGGAAGTGATCAAATGCTTCCTGGTGGCCATGATGAGCCTGGAGG-3'
Protein context (NP_001362453.1, residues 949-969): CLKSANTEPY[Tyr959His]RRQAWEVIKC

ClinVar aggregate classification (germline): Uncertain significance (1 of 4 stars; one submission).

Conditions:
Hearing loss, autosomal dominant 75. Also called: DEAFNESS, AUTOSOMAL DOMINANT 75. Identifiers: MedGen C5394059, MONDO:0032911, OMIM 618778.
Developmental delay with or without dysmorphic facies and autism. Identifiers: MedGen C5193106, MONDO:0032760, OMIM 618454.

Submission:

Juno Genomics, Hangzhou Juno Genomics, Inc
Classification: Uncertain significance for Hearing loss, autosomal dominant 75; Developmental delay with or without dysmorphic facies and autism. Review status: criteria provided, single submitter. Criteria: ACMG Guidelines, 2015. Collection method: clinical testing. Allele origin: germline.
Comment: Absent from controls (or at extremely low frequency if recessive) in Genome Aggregation Database.;Missense variant in a gene that has a low rate of benign missense variation.